The following is an entry in ClinVar:

NM_206933.4(USH2A):c.2393A>G (p.Asp798Gly)

Genes: USH2A (usherin; minus strand), LOC122152296 (Sharpr-MPRA regulatory region 8762; plus strand). Cytogenetic location: 1q41.
Variant type: single nucleotide variant.
Coding change: c.2393A>G on transcript NM_206933.4 (MANE Select); coding-DNA position 2393, A replaced by G.
Protein change: p.Asp798Gly; replaces aspartic acid 798 with glycine.
Molecular consequence: missense variant.
Genome position (GRCh38, 1-based): chr1:216,247,001, T>C on the plus strand (A>G on the coding strand, the complement: USH2A is on the minus strand). VCF-style: chr1-216247001-T-C. GRCh37 (hg19) VCF-style: chr1-216420343-T-C.
Other names: c.2393A>G, p.Asp798Gly (NM_007123.6); short protein forms D798G.
Identifiers: ClinVar variation 1508017 (VCV001508017.5), dbSNP rs148431156, ClinGen allele CA344864889.

ClinVar aggregate classification (germline): Uncertain significance (1 of 4 stars; one submission).

Submission:

Labcorp Genetics (formerly Invitae), Labcorp
Classification: Uncertain significance. Last evaluated: 2021-09-01. Review status: criteria provided, single submitter. Criteria: Invitae Variant Classification Sherloc (09022015). Collection method: clinical testing. Allele origin: germline.
Comment: This sequence change replaces aspartic acid with glycine at codon 798 of the USH2A protein (p.Asp798Gly). The aspartic acid residue is moderately conserved and there is a moderate physicochemical difference between aspartic acid and glycine. This variant is not present in population databases (ExAC no frequency). This variant has not been reported in the literature in individuals affected with USH2A-related conditions. Algorithms developed to predict the effect of missense changes on protein structure and function are either unavailable or do not agree on the potential impact of this missense change (SIFT: "Tolerated"; PolyPhen-2: "Possibly Damaging"; Align-GVGD: "Class C0"). In summary, the available evidence is currently insufficient to determine the role of this variant in disease. Therefore, it has been classified as a Variant of Uncertain Significance.